The following is an entry in ClinVar:

NM_001128205.2(SULF1):c.1033del (p.Arg345fs)

Gene: SULF1 (sulfatase 1; plus strand). Cytogenetic location: 8q13.3.
Variant type: Deletion.
Coding change: c.1033del on transcript NM_001128205.2 (MANE Select); coding-DNA position 1033, one base deleted (C; older notation c.1033delC).
Protein change: p.Arg345fs; shifts the reading frame from arginine 345.
Molecular consequence: frameshift variant. On other transcripts: 5 prime UTR variant (1), non-coding transcript variant (7).
Genome position (GRCh38, 1-based): chr8:69,601,801, C deleted. VCF-style (leftmost placement, unchanged base first): chr8-69601800-TC-T. GRCh37 (hg19) VCF-style: chr8-70514035-TC-T.
Other names: c.1033del, p.Arg345fs (NM_001128204.2, NM_001128206.2, NM_001412828.1 and 18 more transcripts); c.847del, p.Arg283fs (NM_001412841.1, NM_001412842.1); c.433del, p.Arg145fs (NM_001412844.1, NM_001412845.1); c.-743del (NM_001412846.1); short protein forms R145fs, R283fs, R345fs.
Identifiers: ClinVar variation 3686667 (VCV003686667.2).
Genomic context (GRCh38, chr8:69,601,800, plus strand): 5'-TGGACTGGTCAAGGGGAAATCCATGCCATATGACTTTGATATTCGTGTGCCTTTTTTTAT[TC>T]GTGGTCCAAGTGTAGAACCAGGATCAATGTACGTATTTCTCTGTTTGCAACATTCAACTG-3'

ClinVar aggregate classification (germline): Uncertain significance (1 of 4 stars; one submission).

Submission:

Labcorp Genetics (formerly Invitae), Labcorp
Classification: Uncertain significance. Last evaluated: 2024-07-17. Review status: criteria provided, single submitter. Criteria: Invitae Variant Classification Sherloc (09022015). Collection method: clinical testing. Allele origin: germline.
Comment: This sequence change creates a premature translational stop signal (p.Arg345Valfs*5) in the SULF1 gene. It is expected to result in an absent or disrupted protein product. However, the current clinical and genetic evidence is not sufficient to establish whether loss-of-function variants in SULF1 cause disease. This variant is not present in population databases (gnomAD no frequency). This variant has not been reported in the literature in individuals affected with SULF1-related conditions. Algorithms developed to predict the effect of sequence changes on RNA splicing suggest that this variant may disrupt the consensus splice site. In summary, the available evidence is currently insufficient to determine the role of this variant in disease. Therefore, it has been classified as a Variant of Uncertain Significance.